The following is an entry in ClinVar:

NM_001127649.3(PEX26):c.436C>T (p.Gln146Ter)

Gene: PEX26 (peroxisomal biogenesis factor 26; plus strand). Cytogenetic location: 22q11.21.
Variant type: single nucleotide variant.
Coding change: c.436C>T on transcript NM_001127649.3 (MANE Select); coding-DNA position 436, C replaced by T.
Protein change: p.Gln146Ter; replaces glutamine 146 with a stop codon.
Molecular consequence: nonsense.
Genome position (GRCh38, 1-based): chr22:18,083,501, C>T. VCF-style: chr22-18083501-C-T. GRCh37 (hg19) VCF-style: chr22-18566267-C-T.
Other names: c.436C>T, p.Gln146Ter (NM_001199319.2, NM_017929.6); short protein forms Q146*.
Identifiers: ClinVar variation 2677687 (VCV002677687.4), dbSNP rs2517670893, ClinGen allele CA410267410.

ClinVar aggregate classification (germline): Pathogenic. Review status: criteria provided, multiple submitters, no conflicts (2 of 4 stars). 2 submissions from 2 submitters: Pathogenic (2). Last evaluated 2023-06-11.

Conditions:
Peroxisome biogenesis disorder 7A (Zellweger). Also called: Peroxisome biogenesis disorder 7A. Identifiers: Orphanet 912, MedGen C3888385, MONDO:0013938, OMIM 614872.
Peroxisome biogenesis disorder 7B (PBD7B). Identifiers: Orphanet 44, MedGen C3553951, MONDO:0013939, OMIM 614873.

Allele frequency attached by ClinVar (database versions not stated): gnomAD exomes below 0.00001.
gnomAD v4.1: 2 of 1,614,112 alleles (0.00012%); highest among the groups gnomAD compares: Non-Finnish European, 0.00017%; no homozygotes.

Submissions (2):

Labcorp Genetics (formerly Invitae), Labcorp
Classification: Pathogenic for Peroxisome biogenesis disorder 7A (Zellweger); Peroxisome biogenesis disorder 7B. Last evaluated: 2023-06-11. Review status: criteria provided, single submitter. Criteria: Invitae Variant Classification Sherloc (09022015). Collection method: clinical testing. Allele origin: germline.
Comment: This sequence change creates a premature translational stop signal (p.Gln146*) in the PEX26 gene. It is expected to result in an absent or disrupted protein product. Loss-of-function variants in PEX26 are known to be pathogenic (PMID: 12851857, 21031596). This variant is not present in population databases (gnomAD no frequency). This variant has not been reported in the literature in individuals affected with PEX26-related conditions. Algorithms developed to predict the effect of sequence changes on RNA splicing suggest that this variant may create or strengthen a splice site. For these reasons, this variant has been classified as Pathogenic.

Baylor Genetics
Classification: Pathogenic for Peroxisome biogenesis disorder 7A (Zellweger). Last evaluated: 2023-03-13. Review status: criteria provided, single submitter. Criteria: ACMG Guidelines, 2015. Collection method: clinical testing. Allele origin: unknown.

Literature cited by the submitters: PubMed 12851857 (cited by Labcorp Genetics (formerly Invitae), Labcorp); PubMed 21031596 (cited by Labcorp Genetics (formerly Invitae), Labcorp).